The following is an entry in ClinVar:

NM_006206.6(PDGFRA):c.64C>T (p.Leu22Phe)

Gene: PDGFRA (platelet derived growth factor receptor alpha; plus strand). Cytogenetic location: 4q12.
Variant type: single nucleotide variant.
Coding change: c.64C>T on transcript NM_006206.6 (MANE Select); coding-DNA position 64, C replaced by T.
Protein change: p.Leu22Phe; replaces leucine 22 with phenylalanine.
Molecular consequence: missense variant.
Genome position (GRCh38, 1-based): chr4:54,261,109, C>T. VCF-style: chr4-54261109-C-T. GRCh37 (hg19) VCF-style: chr4-55127276-C-T.
Other names: c.64C>T, p.Leu22Phe (NM_001347827.2, NM_001347829.2); c.139C>T, p.Leu47Phe (NM_001347828.2); c.103C>T, p.Leu35Phe (NM_001347830.2); short protein forms L22F, L47F, L35F.
Identifiers: ClinVar variation 459116 (VCV000459116.11), dbSNP rs975510328, ClinGen allele CA96847142.

ClinVar aggregate classification (germline): Conflicting classifications of pathogenicity. Review status: criteria provided, conflicting classifications (1 of 4 stars). 2 submissions from 2 submitters: Uncertain significance (1); Likely benign (1). Last evaluated 2025-12-22.

Conditions:
Hereditary cancer-predisposing syndrome. Also called: Tumor predisposition; Hereditary neoplastic syndrome; Neoplastic Syndromes, Hereditary; Hereditary Cancer Syndrome. Identifiers: Orphanet 140162, MedGen C0027672, MeSH D009386, MONDO:0015356.
Gastrointestinal stromal tumor. Also called: Gastrointestinal stroma tumor; Gastrointestinal stromal tumor, somatic. Identifiers: Orphanet 44890, MedGen C0238198, MeSH D046152, MONDO:0011719, OMIM 606764, HP:0100723.

Allele frequency attached by ClinVar (database versions not stated): gnomAD exomes below 0.00001 and 0.00002; TOPMed 0.00001.
gnomAD v4.1: 9 of 1,614,114 alleles (0.00056%); highest among the groups gnomAD compares: Non-Finnish European, 0.00068%; no homozygotes.

Submissions (2):

Labcorp Genetics (formerly Invitae), Labcorp
Classification: Uncertain significance for Gastrointestinal stromal tumor. Last evaluated: 2025-12-22. Review status: criteria provided, single submitter. Criteria: Invitae Variant Classification Sherloc (09022015). Collection method: clinical testing. Allele origin: germline.
Comment: This sequence change replaces leucine, which is neutral and non-polar, with phenylalanine, which is neutral and non-polar, at codon 22 of the PDGFRA protein (p.Leu22Phe). This variant is not present in population databases (gnomAD no frequency). This variant has not been reported in the literature in individuals affected with PDGFRA-related conditions. ClinVar contains an entry for this variant (Variation ID: 459116). An algorithm developed to predict the effect of missense changes on protein structure and function outputs the following: PolyPhen-2: "Benign". The phenylalanine amino acid residue is found in multiple mammalian species, which suggests that this missense change does not adversely affect protein function. In summary, the available evidence is currently insufficient to determine the role of this variant in disease. Therefore, it has been classified as a Variant of Uncertain Significance.

Ambry Genetics
Classification: Likely benign for Hereditary cancer-predisposing syndrome. Last evaluated: 2025-01-13. Review status: criteria provided, single submitter. Criteria: Ambry Variant Classification Scheme 2023. Collection method: clinical testing. Allele origin: germline.